The following is an entry in ClinVar:

NM_005391.5(PDK3):c.341A>C (p.Lys114Thr)

Gene: PDK3 (pyruvate dehydrogenase kinase 3; plus strand). Cytogenetic location: Xp22.11.
Variant type: single nucleotide variant.
Coding change: c.341A>C on transcript NM_005391.5 (MANE Select); coding-DNA position 341, A replaced by C.
Protein change: p.Lys114Thr; replaces lysine 114 with threonine.
Molecular consequence: missense variant.
Genome position (GRCh38, 1-based): chrX:24,503,347, A>C. VCF-style: chrX-24503347-A-C. GRCh37 (hg19) VCF-style: chrX-24521464-A-C.
Other names: c.341A>C, p.Lys114Thr (NM_001142386.3); short protein forms K114T.
Identifiers: ClinVar variation 697832 (VCV000697832.12), dbSNP rs146331370, ClinGen allele CA10372280.
Genomic context (GRCh38, chrX:24,503,347, plus strand): 5'-GATATTAAGACTGACCACGTTTTGTTTCCCTCTCACACAGCTTTCTACAAGTTCTGATTA[A>C]AGTCAGAAATAGACACAATGATGTGGTTCCTACAATGGCACAAGGAGTGATTGAATACAA-3'
Protein context (NP_005382.1, residues 104-124): VLDNFLQVLI[Lys114Thr]VRNRHNDVVP

ClinVar aggregate classification (germline): Conflicting classifications of pathogenicity. Review status: criteria provided, conflicting classifications (1 of 4 stars). 3 submissions from 3 submitters: Uncertain significance (1); Benign (1); Likely benign (1). Last evaluated 2026-03-27.

Conditions:
Charcot-Marie-Tooth disease. Also called: Charcot-Marie-Tooth Hereditary Neuropathy; Charcot-Marie-Tooth Neuropathy. Identifiers: Orphanet 166, MedGen C0007959, MONDO:0015626.
PDK3-related disorder. Also called: PDK3-related condition.
Charcot-Marie-Tooth disease X-linked dominant 6. Also called: CHARCOT-MARIE-TOOTH NEUROPATHY, X-LINKED DOMINANT, 6. Identifiers: Orphanet 352675, MedGen C3806702, MONDO:0010479, OMIM 300905.

Allele frequency attached by ClinVar (database versions not stated): TOPMed 0.00006; ExAC 0.00010; ESP Exome Variant Server 0.00019; gnomAD exomes 0.00030 and 0.00009; gnomAD 0.00008 and 0.00009.
gnomAD v4.1: 336 of 1,199,500 alleles (0.028%); highest among the groups gnomAD compares: Non-Finnish European, 0.036%; no homozygotes.

Submissions (3):

PreventionGenetics, part of Exact Sciences
Classification: Likely benign for PDK3-related condition. Last evaluated: 2026-03-27. Review status: criteria provided, single submitter. Criteria: ACMG Guidelines, 2015. Collection method: clinical testing. Allele origin: germline.
Comment: This variant is classified as likely benign based on ACMG/AMP sequence variant interpretation guidelines (Richards et al. 2015 PMID: 25741868, with internal and published modifications).

Labcorp Genetics (formerly Invitae), Labcorp
Classification: Benign for Charcot-Marie-Tooth disease X-linked dominant 6. Last evaluated: 2025-09-08. Review status: criteria provided, single submitter. Criteria: Invitae Variant Classification Sherloc (09022015). Collection method: clinical testing. Allele origin: germline.

Molecular Genetics Laboratory, London Health Sciences Centre
Classification: Uncertain significance for Charcot-Marie-Tooth disease. Review status: criteria provided, single submitter. Criteria: ACMG Guidelines, 2015. Collection method: clinical testing. Allele origin: germline. Affected: yes.